The following is an entry in ClinVar:

NM_021927.3(GUF1):c.334C>T (p.Arg112Ter)

Gene: GUF1 (GTP binding elongation factor GUF1; plus strand). Cytogenetic location: 4p12.
Variant type: single nucleotide variant.
Coding change: c.334C>T on transcript NM_021927.3 (MANE Select); coding-DNA position 334, C replaced by T.
Protein change: p.Arg112Ter; replaces arginine 112 with a stop codon.
Molecular consequence: nonsense. On other transcripts: 5 prime UTR variant (2).
Genome position (GRCh38, 1-based): chr4:44,680,750, C>T. VCF-style: chr4-44680750-C-T. GRCh37 (hg19) VCF-style: chr4-44682767-C-T.
Other names: c.-635C>T (NM_001345867.2); c.334C>T, p.Arg112Ter (NM_001345868.2); c.-639C>T (NM_001345869.2); short protein forms R112*.
Identifiers: ClinVar variation 2998731 (VCV002998731.3), dbSNP rs758730587, ClinGen allele CA2905259.

ClinVar aggregate classification (germline): Uncertain significance (1 of 4 stars; one submission).

Allele frequency attached by ClinVar (database versions not stated): gnomAD 0.00001; ExAC 0.00002; gnomAD exomes 0.00002.
gnomAD v4.1: 25 of 1,610,096 alleles (0.0016%); highest among the groups gnomAD compares: East Asian, 0.027%; no homozygotes.

Submission:

Labcorp Genetics (formerly Invitae), Labcorp
Classification: Uncertain significance. Last evaluated: 2023-05-11. Review status: criteria provided, single submitter. Criteria: Invitae Variant Classification Sherloc (09022015). Collection method: clinical testing. Allele origin: germline.
Comment: In summary, the available evidence is currently insufficient to determine the role of this variant in disease. Therefore, it has been classified as a Variant of Uncertain Significance. This variant has not been reported in the literature in individuals affected with GUF1-related conditions. This variant is present in population databases (rs758730587, gnomAD 0.02%). This sequence change creates a premature translational stop signal (p.Arg112*) in the GUF1 gene. It is expected to result in an absent or disrupted protein product. However, the current clinical and genetic evidence is not sufficient to establish whether loss-of-function variants in GUF1 cause disease.